The following is an entry in ClinVar:

ClinVar aggregate classification (germline): Uncertain significance (1 of 4 stars; one submission).

Conditions:
Hypertrophic cardiomyopathy. Also called: HYPERTROPHIC MYOCARDIOPATHY. Identifiers: Orphanet 217569, MedGen C0007194, MeSH D002312, MONDO:0005045, HP:0001639.

Submission:

Labcorp Genetics (formerly Invitae), Labcorp
Classification: Uncertain significance for Hypertrophic cardiomyopathy. Last evaluated: 2021-11-03. Review status: criteria provided, single submitter. Criteria: Invitae Variant Classification Sherloc (09022015). Collection method: clinical testing. Allele origin: germline.
Comment: Algorithms developed to predict the effect of missense changes on protein structure and function are either unavailable or do not agree on the potential impact of this missense change (SIFT: "Not Available"; PolyPhen-2: "Benign"; Align-GVGD: "Not Available"). In summary, the available evidence is currently insufficient to determine the role of this variant in disease. Therefore, it has been classified as a Variant of Uncertain Significance. This variant has not been reported in the literature in individuals affected with MYBPC3-related conditions. Information on the frequency of this variant in the gnomAD database is not available, as this variant may be reported differently in the database. This sequence change replaces alanine, which is neutral and non-polar, with asparagine, which is neutral and polar, at codon 179 of the MYBPC3 protein (p.Ala179Asn).

NM_000256.3(MYBPC3):c.535_536delinsAA (p.Ala179Asn)

Gene: MYBPC3 (myosin binding protein C3; minus strand). Cytogenetic location: 11p11.2.
Variant type: Indel.
Coding change: c.535_536delinsAA on transcript NM_000256.3 (MANE Select); coding-DNA positions 535 to 536, GC replaced by AA.
Protein change: p.Ala179Asn; replaces alanine 179 with asparagine.
Molecular consequence: missense variant.
Genome position (GRCh38, 1-based): chr11:47,349,892-47,349,893, GC replaced by TT on the plus strand (GC replaced by AA on the coding strand, the reverse complement: MYBPC3 is on the minus strand). VCF-style: chr11-47349892-GC-TT. GRCh37 (hg19) VCF-style: chr11-47371443-GC-TT.
Other names: short protein forms A179N.
Identifiers: ClinVar variation 1391091 (VCV001391091.6), dbSNP rs2142867813, ClinGen allele CA2573147272.